The following is an entry in ClinVar:

NM_000152.5(GAA):c.546+3GGGCA[3]

Gene: GAA (alpha glucosidase; plus strand). Cytogenetic location: 17q25.3.
Variant type: Microsatellite.
Coding change: c.546+3GGGCA[3] on transcript NM_000152.5 (MANE Select); three copies in a row of the 5-base unit GGGCA starting at c.546+3.
Molecular consequence: intron variant.
Genome position: GRCh38 VCF-style: chr17-80105134-T-TGGGCA. GRCh37 (hg19) VCF-style: chr17-78078933-T-TGGGCA.
Other names: p.?; c.546+3GGGCA[3] (NM_001079803.3, NM_001079804.3); c.546+11_546+15dup (NM_000152.5).
Identifiers: ClinVar variation 1942048 (VCV001942048.7), dbSNP rs756530498, ClinGen allele CA8814897.

ClinVar aggregate classification (germline): Likely benign. Review status: criteria provided, multiple submitters, no conflicts (2 of 4 stars). 3 submissions from 3 submitters: Likely benign (3). Last evaluated 2025-11-06.

Conditions:
Glycogen storage disease, type II (IOPD). Also called: Glucosidase acid-1,4-alpha deficiency; Pompe Disease; Glycogen storage disease type 2; Acid maltase deficiency disease; Aglucosidase alfa; Deficiency of alpha-glucosidase. Identifiers: Orphanet 365, MedGen C0017921, MONDO:0009290, OMIM 232300.

Submissions (3):

Labcorp Genetics (formerly Invitae), Labcorp
Classification: Likely benign for Glycogen storage disease, type II. Last evaluated: 2025-11-06. Review status: criteria provided, single submitter. Criteria: Invitae Variant Classification Sherloc (09022015). Collection method: clinical testing. Allele origin: germline.

Mayo Clinic Laboratories, Mayo Clinic
Classification: Likely benign. Last evaluated: 2025-08-13. Review status: criteria provided, single submitter. Criteria: ACMG Guidelines, 2015. Collection method: clinical testing. Allele origin: germline. Observed: 2 variant alleles.
Comment: BP4, BP7

Blueprint Genetics
Classification: Likely benign. Last evaluated: 2024-03-25. Review status: criteria provided, single submitter. Criteria: ACMG Guidelines, 2015. Collection method: clinical testing. Allele origin: germline.